The following is an entry in ClinVar:

NM_001291415.2(KDM6A):c.1597C>T (p.Arg533Cys)

Gene: KDM6A (lysine demethylase 6A; plus strand). Cytogenetic location: Xp11.3.
Variant type: single nucleotide variant.
Coding change: c.1597C>T on transcript NM_001291415.2 (MANE Select); coding-DNA position 1597, C replaced by T.
Protein change: p.Arg533Cys; replaces arginine 533 with cysteine.
Molecular consequence: missense variant. On other transcripts: intron variant (1).
Genome position (GRCh38, 1-based): chrX:45,062,662, C>T. VCF-style: chrX-45062662-C-T. GRCh37 (hg19) VCF-style: chrX-44921907-C-T.
Other names: c.1441C>T (NM_021140.3, NM_021140.2); c.1462C>T, p.Arg488Cys (NM_001291416.2); c.1306C>T, p.Arg436Cys (NM_001291417.2); c.553C>T, p.Arg185Cys (NM_001291421.2); c.1441C>T, p.Arg481Cys (NM_021140.4); c.1291-760C>T (NM_001291418.2); short protein forms R488C, R185C, R436C, R533C, R481C.
Identifiers: ClinVar variation 2054970 (VCV002054970.6), dbSNP rs375011484, ClinGen allele CA10392386.

ClinVar aggregate classification (germline): Conflicting classifications of pathogenicity. Review status: criteria provided, conflicting classifications (1 of 4 stars). 3 submissions from 3 submitters: Uncertain significance (1); Likely benign (2). Last evaluated 2025-12-17.

Conditions:
Inborn genetic diseases. Identifiers: MedGen C0950123, MeSH D030342.
Kabuki syndrome 2 (KABUK2). Also called: KDM6A-Related Kabuki Syndrome. Identifiers: Orphanet 2322, MedGen C3275495, MONDO:0010465, OMIM 300867.

Allele frequency attached by ClinVar (database versions not stated): gnomAD exomes 0.00003; ExAC 0.00004; gnomAD 0.00004; TOPMed 0.00008; ESP Exome Variant Server 0.00009.
gnomAD v4.1: 35 of 1,200,805 alleles (0.0029%); highest among the groups gnomAD compares: African/African-American, 0.0035%; no homozygotes.

Submissions (3):

Labcorp Genetics (formerly Invitae), Labcorp
Classification: Uncertain significance for Kabuki syndrome 2. Last evaluated: 2025-12-17. Review status: criteria provided, single submitter. Criteria: Invitae Variant Classification Sherloc (09022015). Collection method: clinical testing. Allele origin: germline.
Comment: This sequence change replaces arginine, which is basic and polar, with cysteine, which is neutral and slightly polar, at codon 481 of the KDM6A protein (p.Arg481Cys). This variant is present in population databases (rs375011484, gnomAD 0.008%), including at least one homozygous and/or hemizygous individual. This variant has not been reported in the literature in individuals affected with KDM6A-related conditions. ClinVar contains an entry for this variant (Variation ID: 2054970). Invitae Evidence Modeling of protein sequence and biophysical properties (such as structural, functional, and spatial information, amino acid conservation, physicochemical variation, residue mobility, and thermodynamic stability) indicates that this missense variant is not expected to disrupt KDM6A protein function with a negative predictive value of 80%. In summary, the available evidence is currently insufficient to determine the role of this variant in disease. Therefore, it has been classified as a Variant of Uncertain Significance.

Ambry Genetics
Classification: Likely benign for Inborn genetic diseases. Last evaluated: 2024-08-20. Review status: criteria provided, single submitter. Criteria: Ambry Variant Classification Scheme 2023. Collection method: clinical testing. Allele origin: germline.

Fulgent Genetics
Classification: Likely benign for Kabuki syndrome 2. Last evaluated: 2024-04-20. Review status: criteria provided, single submitter. Criteria: ACMG Guidelines, 2015. Collection method: clinical testing. Allele origin: germline.